The following is an entry in ClinVar:

ClinVar aggregate classification (germline): Uncertain significance (1 of 4 stars; one submission).

Conditions:
Pyruvate dehydrogenase E1-alpha deficiency (PDHAD). Also called: ATAXIA, INTERMITTENT, WITH PYRUVATE DEHYDROGENASE DEFICIENCY; ATAXIA WITH LACTIC ACIDOSIS I; ATAXIA, INTERMITTENT, WITH ABNORMAL PYRUVATE METABOLISM; Ataxia, intermittent, with pyruvate dehydrogenase, or decarboxylase, deficiency. Identifiers: Orphanet 79243, MedGen C1839413, MONDO:0010717, OMIM 312170.

Submission:

Labcorp Genetics (formerly Invitae), Labcorp
Classification: Uncertain significance for Pyruvate dehydrogenase E1-alpha deficiency. Last evaluated: 2022-01-12. Review status: criteria provided, single submitter. Criteria: Invitae Variant Classification Sherloc (09022015). Collection method: clinical testing. Allele origin: germline.
Comment: This variant, c.335_349del, results in the deletion of 5 amino acid(s) of the PDHA1 protein (p.Asp112_Thr116del), but otherwise preserves the integrity of the reading frame. This variant is not present in population databases (gnomAD no frequency). This variant has not been reported in the literature in individuals affected with PDHA1-related conditions. Experimental studies and prediction algorithms are not available or were not evaluated, and the functional significance of this variant is currently unknown. In summary, the available evidence is currently insufficient to determine the role of this variant in disease. Therefore, it has been classified as a Variant of Uncertain Significance.

NM_000284.4(PDHA1):c.335_349del (p.Asp112_Thr116del)

Gene: PDHA1 (pyruvate dehydrogenase E1 subunit alpha 1; plus strand). Cytogenetic location: Xp22.12.
Variant type: Deletion.
Coding change: c.335_349del on transcript NM_000284.4 (MANE Select); coding-DNA positions 335 to 349, 15 bases deleted (ACCATCTCATCACAG).
Protein change: p.Asp112_Thr116del.
Molecular consequence: inframe deletion.
Genome position (GRCh38, 1-based): chrX:19,351,324-19,351,338, ACCATCTCATCACAG deleted; deleting any 15 consecutive bases within chrX:19,351,319-19,351,338 gives the same sequence; the c. name uses the placement nearest the transcript's 3' end. VCF-style (leftmost placement, unchanged base first): chrX-19351318-CCACAGACCATCTCAT-C. GRCh37 (hg19) VCF-style: chrX-19369436-CCACAGACCATCTCAT-C.
Other names: c.449_463del, p.Asp150_Thr154del (NM_001173454.2); c.356_370del, p.Asp119_Thr123del (NM_001173455.2); c.335_349del, p.Asp112_Thr116del (NM_001173456.2).
Identifiers: ClinVar variation 2052118 (VCV002052118.4), dbSNP rs2519341201, ClinGen allele CA2580100428.